The following is an entry in ClinVar:

NM_000059.4(BRCA2):c.9649A>T (p.Met3217Leu)

Gene: BRCA2 (BRCA2 DNA repair associated; plus strand). Cytogenetic location: 13q13.1.
Variant type: single nucleotide variant.
Coding change: c.9649A>T on transcript NM_000059.4 (MANE Select); coding-DNA position 9649, A replaced by T.
Protein change: p.Met3217Leu; replaces methionine 3217 with leucine.
Molecular consequence: missense variant. On other transcripts: non-coding transcript variant (1).
Genome position (GRCh38, 1-based): chr13:32,398,162, A>T. VCF-style: chr13-32398162-A-T. GRCh37 (hg19) VCF-style: chr13-32972299-A-T.
Other names: c.9553A>T, p.Met3185Leu (NM_001406719.1); c.9598A>T, p.Met3200Leu (NM_001406720.1); c.4717A>T, p.Met1573Leu (NM_001406721.1); c.3232A>T, p.Met1078Leu (NM_001406722.1); c.9649A>T, p.Met3217Leu (NM_001432077.1); short protein forms M1078L, M3185L, M3200L, M1573L, M3217L.
Identifiers: ClinVar variation 3641142 (VCV003641142.2).

ClinVar aggregate classification (germline): Uncertain significance (1 of 4 stars; one submission).

Conditions:
Hereditary breast ovarian cancer syndrome. Also called: BRCA1- and BRCA2-Associated Hereditary Breast and Ovarian Cancer; Hereditary breast and/or ovarian cancer syndrome; Hereditary breast and ovarian cancer syndrome; Hereditary breast and ovarian cancer syndrome (HBOC); Breast and ovarian cancer; Hereditary breast and ovarian cancer. Identifiers: Orphanet 145, MedGen C0677776, MeSH D061325, MONDO:0003582. Disease mechanism: loss of function.

Submission:

Labcorp Genetics (formerly Invitae), Labcorp
Classification: Uncertain significance for Hereditary breast ovarian cancer syndrome. Last evaluated: 2024-02-15. Review status: criteria provided, single submitter. Criteria: Invitae Variant Classification Sherloc (09022015). Collection method: clinical testing. Allele origin: germline.
Comment: This sequence change replaces methionine, which is neutral and non-polar, with leucine, which is neutral and non-polar, at codon 3217 of the BRCA2 protein (p.Met3217Leu). This variant is not present in population databases (gnomAD no frequency). This variant has not been reported in the literature in individuals affected with BRCA2-related conditions. Algorithms developed to predict the effect of missense changes on protein structure and function output the following: SIFT: "Not Available"; PolyPhen-2: "Benign"; Align-GVGD: "Not Available". The leucine amino acid residue is found in multiple mammalian species, which suggests that this missense change does not adversely affect protein function. Algorithms developed to predict the effect of sequence changes on RNA splicing suggest that this variant may disrupt the consensus splice site. In summary, the available evidence is currently insufficient to determine the role of this variant in disease. Therefore, it has been classified as a Variant of Uncertain Significance.